The following is an entry in ClinVar:

NM_004415.4(DSP):c.2131-11A>G

Gene: DSP (desmoplakin; plus strand). Cytogenetic location: 6p24.3.
Variant type: single nucleotide variant.
Coding change: c.2131-11A>G on transcript NM_004415.4 (MANE Select); 11 bases into the intron before coding-DNA position 2131, A replaced by G.
Molecular consequence: intron variant.
Genome position (GRCh38, 1-based): chr6:7,574,075, A>G. VCF-style: chr6-7574075-A-G. GRCh37 (hg19) VCF-style: chr6-7574308-A-G.
Other names: c.2131-11A>G (NM_001319034.2, NM_001008844.3).
Identifiers: ClinVar variation 3070520 (VCV003070520.1), dbSNP rs1443013612, ClinGen allele CA2578524160.

ClinVar aggregate classification (germline): Likely benign (1 of 4 stars; one submission).

Conditions:
Arrhythmogenic cardiomyopathy with wooly hair and keratoderma. Also called: PALMOPLANTAR KERATODERMA WITH LEFT VENTRICULAR CARDIOMYOPATHY AND WOOLLY HAIR; Carvajal syndrome; Dilated cardiomyopathy with woolly hair and keratoderma; Arrhythmogenic cardiomyopathy with woolly hair and keratoderma. Identifiers: Orphanet 65282, MedGen C1854063, MONDO:0011581, OMIM 605676.

Allele frequency attached by ClinVar (database versions not stated): gnomAD exomes below 0.00001.
gnomAD v4.1: 6 of 1,613,984 alleles (0.00037%); highest among the groups gnomAD compares: East Asian, 0.0022%; no homozygotes.

Submission:

All of Us Research Program, National Institutes of Health
Classification: Likely benign for Arrhythmogenic cardiomyopathy with wooly hair and keratoderma. Last evaluated: 2023-10-12. Review status: criteria provided, single submitter. Criteria: ACMG Guidelines, 2015. Collection method: clinical testing. Allele origin: germline. Inheritance: Autosomal dominant inheritance. Observed: 1 variant allele, 1 heterozygote.
Comment: This study involves interpretation of variants in research participants for the purpose of population health screening. Participant phenotype was not available at the time of variant classification. Additional details can be found in publication PMID: 35346344, PMCID: PMC8962531